The following is an entry in ClinVar:

ClinVar aggregate classification (germline): Conflicting classifications of pathogenicity. Review status: criteria provided, conflicting classifications (1 of 4 stars). 5 submissions from 5 submitters: Pathogenic (1); Uncertain significance (4). Last evaluated 2024-11-16.

Conditions:
Hypercalcemia, infantile, 1 (HCINF1). Identifiers: Orphanet 300547, MedGen CN031131, MONDO:0020739, OMIM 143880.

Allele frequency attached by ClinVar (database versions not stated): TOPMed 0.00002; ESP Exome Variant Server 0.00008.
gnomAD v4.1: 136 of 1,593,528 alleles (0.0085%); highest among the groups gnomAD compares: Non-Finnish European, 0.011%; no homozygotes.

Submissions (5):

Labcorp Genetics (formerly Invitae), Labcorp
Classification: Uncertain significance. Last evaluated: 2024-11-16. Review status: criteria provided, single submitter. Criteria: Invitae Variant Classification Sherloc (09022015). Collection method: clinical testing. Allele origin: germline.
Comment: This sequence change replaces arginine, which is basic and polar, with cysteine, which is neutral and slightly polar, at codon 439 of the CYP24A1 protein (p.Arg439Cys). This variant is present in population databases (rs374292194, gnomAD 0.008%). This missense change has been observed in individual(s) with hypercalcemia (PMID: 26214117, 32375123). ClinVar contains an entry for this variant (Variation ID: 931571). Invitae Evidence Modeling of protein sequence and biophysical properties (such as structural, functional, and spatial information, amino acid conservation, physicochemical variation, residue mobility, and thermodynamic stability) indicates that this missense variant is expected to disrupt CYP24A1 protein function with a positive predictive value of 95%. Experimental studies have shown that this missense change affects CYP24A1 function (PMID: 26214117). In summary, the available evidence is currently insufficient to determine the role of this variant in disease. Therefore, it has been classified as a Variant of Uncertain Significance.

Blueprint Genetics
Classification: Uncertain significance. Last evaluated: 2024-02-12. Review status: criteria provided, single submitter. Criteria: ACMG Guidelines, 2015. Collection method: clinical testing. Allele origin: germline.

Fulgent Genetics
Classification: Uncertain significance for Hypercalcemia, infantile, 1. Last evaluated: 2024-01-23. Review status: criteria provided, single submitter. Criteria: ACMG Guidelines, 2015. Collection method: clinical testing. Allele origin: germline.

MVZ Martinsried, Medicover Genetics
Classification: Pathogenic for Hypercalcemia, infantile, 1. Last evaluated: 2023-06-26. Review status: criteria provided, single submitter. Criteria: ACGS Guidelines, 2020. Collection method: clinical testing. Allele origin: unknown. Affected: yes.

Centre for Mendelian Genomics, University Medical Centre Ljubljana
Classification: Uncertain significance for Hypercalcemia, infantile, 1. Last evaluated: 2016-01-01. Review status: criteria provided, single submitter. Criteria: ACMG Guidelines, 2015. Collection method: clinical testing. Allele origin: unknown. Affected: yes.
Comment: This variant was classified as: Uncertain significance.

Literature cited by the submitters: PubMed 26214117 (cited by Labcorp Genetics (formerly Invitae), Labcorp); PubMed 32375123 (cited by Labcorp Genetics (formerly Invitae), Labcorp).

NM_000782.5(CYP24A1):c.1315C>T (p.Arg439Cys)

Gene: CYP24A1 (cytochrome P450 family 24 subfamily A member 1; minus strand). Cytogenetic location: 20q13.2.
Variant type: single nucleotide variant.
Coding change: c.1315C>T on transcript NM_000782.5 (MANE Select); coding-DNA position 1315, C replaced by T.
Protein change: p.Arg439Cys; replaces arginine 439 with cysteine.
Molecular consequence: missense variant. On other transcripts: intron variant (1).
Genome position (GRCh38, 1-based): chr20:54,157,507, G>A on the plus strand (C>T on the coding strand, the complement: CYP24A1 is on the minus strand). VCF-style: chr20-54157507-G-A. GRCh37 (hg19) VCF-style: chr20-52774046-G-A.
Other names: c.1237-218C>T (NM_001128915.2); short protein forms R439C.
Identifiers: ClinVar variation 931571 (VCV000931571.14), dbSNP rs374292194, ClinGen allele CA9915821.
Genomic context (GRCh38, chr20:54,157,507, plus strand): 5'-TTCCAACGCCAAATGGAAGATGCGCAAAAGGATTAATTTTTTCCTTCTCCTGAAGCCAAC[G>A]TTCAGGTCTAAACTGACTTGAATCTTCAAAATTGTCTTCACTGGATCCCAACACCTGGGT-3'
Protein context (NP_000773.2, residues 429-449): FEDSSQFRPE[Arg439Cys]WLQEKEKINP